The following is an entry in ClinVar:

ClinVar aggregate classification (germline): Uncertain significance. Review status: criteria provided, multiple submitters, no conflicts (2 of 4 stars). 2 submissions from 2 submitters: Uncertain significance (2). Last evaluated 2025-08-26.

Conditions:
Familial temporal lobe epilepsy 7. Identifiers: Orphanet 101046, MedGen C4225327, MONDO:0014639, OMIM 616436.
Norman-Roberts syndrome (LIS2). Also called: Lissencephaly 2 (Norman-Roberts type). Identifiers: Orphanet 89844, MedGen C0796089, MONDO:0009760, OMIM 257320.
Inborn genetic diseases. Identifiers: MedGen C0950123, MeSH D030342.

Allele frequency attached by ClinVar (database versions not stated): gnomAD exomes below 0.00001; gnomAD 0.00001.
gnomAD v4.1: 3 of 1,614,080 alleles (0.00019%); highest among the groups gnomAD compares: Admixed American, 0.0033%; no homozygotes.

Submissions (2):

Ambry Genetics
Classification: Uncertain significance for Inborn genetic diseases. Last evaluated: 2025-08-26. Review status: criteria provided, single submitter. Criteria: Ambry Variant Classification Scheme 2023. Collection method: clinical testing. Allele origin: germline.

Labcorp Genetics (formerly Invitae), Labcorp
Classification: Uncertain significance for Familial temporal lobe epilepsy 7; Norman-Roberts syndrome. Last evaluated: 2023-05-04. Review status: criteria provided, single submitter. Criteria: Invitae Variant Classification Sherloc (09022015). Collection method: clinical testing. Allele origin: germline.
Comment: This sequence change replaces asparagine, which is neutral and polar, with aspartic acid, which is acidic and polar, at codon 3411 of the RELN protein (p.Asn3411Asp). This variant is present in population databases (no rsID available, gnomAD 0.006%). This variant has not been reported in the literature in individuals affected with RELN-related conditions. ClinVar contains an entry for this variant (Variation ID: 1978096). Advanced modeling of protein sequence and biophysical properties (such as structural, functional, and spatial information, amino acid conservation, physicochemical variation, residue mobility, and thermodynamic stability) performed at Invitae indicates that this missense variant is not expected to disrupt RELN protein function. In summary, the available evidence is currently insufficient to determine the role of this variant in disease. Therefore, it has been classified as a Variant of Uncertain Significance.

NM_005045.4(RELN):c.10231A>G (p.Asn3411Asp)

Genes: RELN (reelin; minus strand), SLC26A5-AS1 (SLC26A5 antisense RNA 1; plus strand). Cytogenetic location: 7q22.1.
Variant type: single nucleotide variant.
Coding change: c.10231A>G on transcript NM_005045.4 (MANE Select); coding-DNA position 10231, A replaced by G.
Protein change: p.Asn3411Asp; replaces asparagine 3411 with aspartic acid.
Molecular consequence: missense variant.
Genome position (GRCh38, 1-based): chr7:103,482,922, T>C on the plus strand (A>G on the coding strand, the complement: RELN is on the minus strand). VCF-style: chr7-103482922-T-C. GRCh37 (hg19) VCF-style: chr7-103123369-T-C.
Other names: c.10231A>G, p.Asn3411Asp (NM_173054.3); c.10231A>G (NM_005045.3); short protein forms N3411D.
Identifiers: ClinVar variation 1978096 (VCV001978096.6), dbSNP rs1212976267, ClinGen allele CA368737638.